The following is an entry in ClinVar:

NM_014908.4(DOLK):c.559C>T (p.Arg187Cys)

Gene: DOLK (dolichol kinase; minus strand). Cytogenetic location: 9q34.11.
Variant type: single nucleotide variant.
Coding change: c.559C>T on transcript NM_014908.4 (MANE Select); coding-DNA position 559, C replaced by T.
Protein change: p.Arg187Cys; replaces arginine 187 with cysteine.
Molecular consequence: missense variant.
Genome position (GRCh38, 1-based): chr9:128,946,745, G>A on the plus strand (C>T on the coding strand, the complement: DOLK is on the minus strand). VCF-style: chr9-128946745-G-A. GRCh37 (hg19) VCF-style: chr9-131709024-G-A.
Other names: short protein forms R187C.
Identifiers: ClinVar variation 2072886 (VCV002072886.3), dbSNP rs754576983, ClinGen allele CA5271721.

ClinVar aggregate classification (germline): Uncertain significance. Review status: criteria provided, multiple submitters, no conflicts (2 of 4 stars). 2 submissions from 2 submitters: Uncertain significance (2). Last evaluated 2025-04-09.

Conditions:
Cardiovascular phenotype. Identifiers: MedGen CN230736.
DK1-congenital disorder of glycosylation. Also called: CONGENITAL DISORDER OF GLYCOSYLATION, TYPE Im; CDG Im; DOLK-congenital disorder of glycosylation; Carbohydrate deficient glycoprotein syndrome type 1m; DK1 DEFICIENCY; DOLICHOL KINASE DEFICIENCY. Identifiers: Orphanet 91131, MedGen C1835849, MONDO:0012556, OMIM 610768.

Allele frequency attached by ClinVar (database versions not stated): ExAC 0.00001; gnomAD exomes 0.00001.

Submissions (2):

Molecular Diagnostic Laboratory for Inherited Cardiovascular Disease, Montreal Heart Institute
Classification: Uncertain significance for Cardiovascular phenotype. Last evaluated: 2025-04-09. Review status: criteria provided, single submitter. Criteria: ACMG Guidelines, 2015. Collection method: clinical testing. Allele origin: germline. Affected: yes.
Comment: PM2, PP3

Labcorp Genetics (formerly Invitae), Labcorp
Classification: Uncertain significance for DK1-congenital disorder of glycosylation. Last evaluated: 2022-08-21. Review status: criteria provided, single submitter. Criteria: Invitae Variant Classification Sherloc (09022015). Collection method: clinical testing. Allele origin: germline.
Comment: In summary, the available evidence is currently insufficient to determine the role of this variant in disease. Therefore, it has been classified as a Variant of Uncertain Significance. Algorithms developed to predict the effect of missense changes on protein structure and function are either unavailable or do not agree on the potential impact of this missense change (SIFT: "Deleterious"; PolyPhen-2: "Benign"; Align-GVGD: "Class C15"). This variant has not been reported in the literature in individuals affected with DOLK-related conditions. This variant is not present in population databases (gnomAD no frequency). This sequence change replaces arginine, which is basic and polar, with cysteine, which is neutral and slightly polar, at codon 187 of the DOLK protein (p.Arg187Cys).